The following is an entry in ClinVar:

NM_001378969.1(KCND3):c.43G>A (p.Ala15Thr)

Gene: KCND3 (potassium voltage-gated channel subfamily D member 3; minus strand). Cytogenetic location: 1p13.2.
Variant type: single nucleotide variant.
Coding change: c.43G>A on transcript NM_001378969.1 (MANE Select); coding-DNA position 43, G replaced by A.
Protein change: p.Ala15Thr; replaces alanine 15 with threonine.
Molecular consequence: missense variant.
Genome position (GRCh38, 1-based): chr1:111,982,684, C>T on the plus strand (G>A on the coding strand, the complement: KCND3 is on the minus strand). VCF-style: chr1-111982684-C-T. GRCh37 (hg19) VCF-style: chr1-112525306-C-T.
Other names: c.43G>A, p.Ala15Thr (NM_001378970.1, NM_004980.5, NM_172198.3); short protein forms A15T.
Identifiers: ClinVar variation 3234739 (VCV003234739.20), dbSNP rs1675026966, ClinGen allele CA341823038.

ClinVar aggregate classification (germline): Uncertain significance (1 of 4 stars; one submission).

Allele frequency attached by ClinVar (database versions not stated): gnomAD exomes below 0.00001; TOPMed below 0.00001.
gnomAD v4.1: 2 of 1,610,012 alleles (0.00012%); highest among the groups gnomAD compares: Non-Finnish European, 0.00017%; no homozygotes.

Submission:

CeGaT Center for Human Genetics Tuebingen
Classification: Uncertain significance. Last evaluated: 2024-04-01. Review status: criteria provided, single submitter. Criteria: CeGaT Center For Human Genetics Tuebingen Variant Classification Criteria Version 2. Collection method: clinical testing. Allele origin: germline. Affected: yes. Observed: 1 variant allele.
Comment: KCND3: PM2, PP2